The following is an entry in ClinVar:

NM_000051.4(ATM):c.1600_1601delinsAT (p.Pro534Ile)

Gene: ATM (ATM serine/threonine kinase; plus strand). Cytogenetic location: 11q22.3.
Variant type: Indel.
Coding change: c.1600_1601delinsAT on transcript NM_000051.4 (MANE Select); coding-DNA positions 1600 to 1601, CC replaced by AT.
Protein change: p.Pro534Ile; replaces proline 534 with isoleucine.
Molecular consequence: missense variant.
Genome position (GRCh38, 1-based): chr11:108,251,065-108,251,066, CC replaced by AT. VCF-style: chr11-108251065-CC-AT. GRCh37 (hg19) VCF-style: chr11-108121792-CC-AT.
Other names: c.1600_1601delinsAT, p.Pro534Ile (NM_001351834.2); short protein forms P534I.
Identifiers: ClinVar variation 5031422 (VCV005031422.1).
Genomic context (GRCh38, chr11:108,251,065, plus strand): 5'-GGTAGTTTAGTTGAGGTTGACAGAGAATTCTGGAAGTTATTTACTGGGTCAGCCTGCAGA[CC>AT]TTCATGGTAAGTTCAGCATGCATTATGTCTGACTTACAGATAAACACACACAGACACACA-3'
Protein context (NP_000042.3, residues 524-544): WKLFTGSACR[Pro534Ile]SCPAVCCLTL

ClinVar aggregate classification (germline): Uncertain significance (1 of 4 stars; one submission).

Conditions:
Hereditary cancer-predisposing syndrome. Also called: Neoplastic Syndromes, Hereditary; Tumor predisposition; Hereditary neoplastic syndrome; Hereditary Cancer Syndrome. Identifiers: Orphanet 140162, MedGen C0027672, MeSH D009386, MONDO:0015356.

Submission:

Ambry Genetics
Classification: Uncertain significance for Hereditary cancer-predisposing syndrome. Last evaluated: 2026-06-30. Review status: criteria provided, single submitter. Criteria: Ambry Variant Classification Scheme 2023. Collection method: clinical testing. Allele origin: germline.
Comment: The c.1600_1601delCCinsAT variant (also known as p.P534I), located in coding exon 9 of the ATM gene, results from an in-frame deletion of CC and insertion of AT at nucleotide positions 1600 to 1601. This results in the substitution of the proline residue for an isoleucine residue at codon 534, an amino acid with similar properties. In addition, the in silico prediction for this variant is inconclusive (Choi Y et al. PLoS ONE. 2012; 7(10):e46688). Based on the available evidence, the clinical significance of this variant remains unclear.